The following is an entry in ClinVar:

ClinVar aggregate classification (germline): Uncertain significance. Review status: criteria provided, multiple submitters, no conflicts (2 of 4 stars). 2 submissions from 2 submitters: Uncertain significance (2). Last evaluated 2025-05-07.

Conditions:
NOTCH3-related disorder. Also called: NOTCH3-related condition; NOTCH3-related disorders.

Submissions (2):

PreventionGenetics, part of Exact Sciences
Classification: Uncertain significance for NOTCH3-related condition. Last evaluated: 2025-05-07. Review status: criteria provided, single submitter. Criteria: ACMG Guidelines, 2015. Collection method: clinical testing. Allele origin: germline.
Comment: The NOTCH3 c.6863C>G variant is predicted to result in the amino acid substitution p.Pro2288Arg. To our knowledge, this variant has not been reported in the literature. This variant is reported in 0.0018% of alleles in individuals of European (Non-Finnish) descent in gnomAD. At this time, the clinical significance of this variant is uncertain due to the absence of conclusive functional and genetic evidence.

Labcorp Genetics (formerly Invitae), Labcorp
Classification: Uncertain significance. Last evaluated: 2024-08-22. Review status: criteria provided, single submitter. Criteria: Invitae Variant Classification Sherloc (09022015). Collection method: clinical testing. Allele origin: germline.
Comment: This sequence change replaces proline, which is neutral and non-polar, with arginine, which is basic and polar, at codon 2288 of the NOTCH3 protein (p.Pro2288Arg). This variant is present in population databases (rs769032551, gnomAD 0.002%). This variant has not been reported in the literature in individuals affected with NOTCH3-related conditions. Invitae Evidence Modeling of protein sequence and biophysical properties (such as structural, functional, and spatial information, amino acid conservation, physicochemical variation, residue mobility, and thermodynamic stability) indicates that this missense variant is not expected to disrupt NOTCH3 protein function with a negative predictive value of 95%. In summary, the available evidence is currently insufficient to determine the role of this variant in disease. Therefore, it has been classified as a Variant of Uncertain Significance.

NM_000435.3(NOTCH3):c.6863C>G (p.Pro2288Arg)

Gene: NOTCH3 (notch receptor 3; minus strand). Cytogenetic location: 19p13.12.
Variant type: single nucleotide variant.
Coding change: c.6863C>G on transcript NM_000435.3 (MANE Select); coding-DNA position 6863, C replaced by G.
Protein change: p.Pro2288Arg; replaces proline 2288 with arginine.
Molecular consequence: missense variant.
Genome position (GRCh38, 1-based): chr19:15,160,765, G>C on the plus strand (C>G on the coding strand, the complement: NOTCH3 is on the minus strand). VCF-style: chr19-15160765-G-C. GRCh37 (hg19) VCF-style: chr19-15271576-G-C.
Other names: c.6863C>G (NM_000435.2); short protein forms P2288R.
Identifiers: ClinVar variation 3709915 (VCV003709915.3).